The following is an entry in ClinVar:

NM_014908.4(DOLK):c.617A>G (p.Asn206Ser)

Gene: DOLK (dolichol kinase; minus strand). Cytogenetic location: 9q34.11.
Variant type: single nucleotide variant.
Coding change: c.617A>G on transcript NM_014908.4 (MANE Select); coding-DNA position 617, A replaced by G.
Protein change: p.Asn206Ser; replaces asparagine 206 with serine.
Molecular consequence: missense variant.
Genome position (GRCh38, 1-based): chr9:128,946,687, T>C on the plus strand (A>G on the coding strand, the complement: DOLK is on the minus strand). VCF-style: chr9-128946687-T-C. GRCh37 (hg19) VCF-style: chr9-131708966-T-C.
Other names: short protein forms N206S.
Identifiers: ClinVar variation 3226328 (VCV003226328.2), dbSNP rs1841675798, ClinGen allele CA375124761.

ClinVar aggregate classification (germline): Uncertain significance (1 of 4 stars; one submission).

Conditions:
Cardiovascular phenotype. Identifiers: MedGen CN230736.

Allele frequency attached by ClinVar (database versions not stated): gnomAD 0.00001; gnomAD exomes 0.00001; TOPMed 0.00001.

Submission:

Ambry Genetics
Classification: Uncertain significance for Cardiovascular phenotype. Last evaluated: 2025-05-24. Review status: criteria provided, single submitter. Criteria: Ambry Variant Classification Scheme 2023. Collection method: clinical testing. Allele origin: germline.
Comment: The p.N206S variant (also known as c.617A>G), located in coding exon 1 of the DOLK gene, results from an A to G substitution at nucleotide position 617. The asparagine at codon 206 is replaced by serine, an amino acid with highly similar properties. This amino acid position is conserved. In addition, this alteration is predicted to be tolerated by in silico analysis. Since supporting evidence is limited at this time, the clinical significance of this alteration remains unclear.